The following is an entry in ClinVar:

NM_020975.6(RET):c.1463C>A (p.Thr488Asn)

Gene: RET (ret proto-oncogene; plus strand). Cytogenetic location: 10q11.21.
Variant type: single nucleotide variant.
Coding change: c.1463C>A on transcript NM_020975.6 (MANE Select); coding-DNA position 1463, C replaced by A.
Protein change: p.Thr488Asn; replaces threonine 488 with asparagine.
Molecular consequence: missense variant.
Genome position (GRCh38, 1-based): chr10:43,111,406, C>A. VCF-style: chr10-43111406-C-A. GRCh37 (hg19) VCF-style: chr10-43606854-C-A.
Other names: c.1463C>A, p.Thr488Asn (NM_000323.2, NM_001406743.1, NM_001406744.1 and 6 more transcripts); c.701C>A, p.Thr234Asn (NM_001355216.2); c.1334C>A, p.Thr445Asn (NM_001406761.1, NM_001406762.1, NM_001406764.1 and 1 more transcripts); c.1175C>A, p.Thr392Asn (NM_001406766.1, NM_001406767.1, NM_001406770.1); c.1067C>A, p.Thr356Asn (NM_001406769.1, NM_001406772.1); c.1025C>A, p.Thr342Asn (NM_001406771.1, NM_001406773.1); c.938C>A, p.Thr313Asn (NM_001406774.1); c.737C>A, p.Thr246Asn (NM_001406775.1, NM_001406776.1, NM_001406777.1 and 1 more transcripts); and 1 more; short protein forms T392N, T488N, T234N, T313N, T342N, T445N, T158N, T246N.
Identifiers: ClinVar variation 2133008 (VCV002133008.5), dbSNP rs1218693745, ClinGen allele CA376549751.
Genomic context (GRCh38, chr10:43,111,406, plus strand): 5'-ATGACACCAAGGCCCTGCGGCGGCCCAAGTGTGCCGAACTTCACTACATGGTGGTGGCCA[C>A]CGACCAGCAGACCTCTAGGCAGGCCCAGGCCCAGCTGCTTGTAACAGTGGAGGGGTCATG-3'
Protein context (NP_066124.1, residues 478-498): CAELHYMVVA[Thr488Asn]DQQTSRQAQA

ClinVar aggregate classification (germline): Uncertain significance. Review status: criteria provided, multiple submitters, no conflicts (2 of 4 stars). 2 submissions from 2 submitters: Uncertain significance (2). Last evaluated 2026-04-25.

Conditions:
Hereditary cancer-predisposing syndrome. Also called: Tumor predisposition; Hereditary Cancer Syndrome; Hereditary neoplastic syndrome; Neoplastic Syndromes, Hereditary. Identifiers: Orphanet 140162, MedGen C0027672, MeSH D009386, MONDO:0015356.
Multiple endocrine neoplasia, type 2 (MEN2). Identifiers: Orphanet 653, MedGen C4048306, MONDO:0019003. Disease mechanism: gain of function.

Submissions (2):

Ambry Genetics
Classification: Uncertain significance for Hereditary cancer-predisposing syndrome. Last evaluated: 2026-04-25. Review status: criteria provided, single submitter. Criteria: Ambry Variant Classification Scheme 2023. Collection method: clinical testing. Allele origin: germline.
Comment: The p.T488N variant (also known as c.1463C>A), located in coding exon 7 of the RET gene, results from a C to A substitution at nucleotide position 1463. The threonine at codon 488 is replaced by asparagine, an amino acid with similar properties. This amino acid position is conserved. In addition, this alteration is predicted to be tolerated by in silico analysis. Based on the available evidence, the clinical significance of this variant remains unclear.

Labcorp Genetics (formerly Invitae), Labcorp
Classification: Uncertain significance for Multiple endocrine neoplasia, type 2. Last evaluated: 2024-07-14. Review status: criteria provided, single submitter. Criteria: Invitae Variant Classification Sherloc (09022015). Collection method: clinical testing. Allele origin: germline.
Comment: This sequence change replaces threonine, which is neutral and polar, with asparagine, which is neutral and polar, at codon 488 of the RET protein (p.Thr488Asn). This variant is not present in population databases (gnomAD no frequency). This variant has not been reported in the literature in individuals affected with RET-related conditions. ClinVar contains an entry for this variant (Variation ID: 2133008). An algorithm developed to predict the effect of missense changes on protein structure and function (PolyPhen-2) suggests that this variant is likely to be tolerated. In summary, the available evidence is currently insufficient to determine the role of this variant in disease. Therefore, it has been classified as a Variant of Uncertain Significance.